The following is an entry in ClinVar:

ClinVar aggregate classification (germline): Uncertain significance (1 of 4 stars; one submission).

Conditions:
EGFR-related lung cancer (EGFR). Identifiers: MedGen CN130014.

Submission:

Labcorp Genetics (formerly Invitae), Labcorp
Classification: Uncertain significance for EGFR-related lung cancer. Last evaluated: 2024-05-22. Review status: criteria provided, single submitter. Criteria: Invitae Variant Classification Sherloc (09022015). Collection method: clinical testing. Allele origin: germline.
Comment: This sequence change replaces glycine, which is neutral and non-polar, with cysteine, which is neutral and slightly polar, at codon 367 of the EGFR protein (p.Gly367Cys). This variant is not present in population databases (gnomAD no frequency). This variant has not been reported in the literature in individuals affected with EGFR-related conditions. Advanced modeling of protein sequence and biophysical properties (such as structural, functional, and spatial information, amino acid conservation, physicochemical variation, residue mobility, and thermodynamic stability) has been performed at Invitae for this missense variant, however the output from this modeling did not meet the statistical confidence thresholds required to predict the impact of this variant on EGFR protein function. In summary, the available evidence is currently insufficient to determine the role of this variant in disease. Therefore, it has been classified as a Variant of Uncertain Significance.

NM_005228.5(EGFR):c.1099G>T (p.Gly367Cys)

Genes: EGFR (epidermal growth factor receptor; plus strand), LOC126860048 (P300/CBP strongly-dependent group 1 enhancer GRCh37_chr7:55223847-55225046; plus strand). Cytogenetic location: 7p11.2.
Variant type: single nucleotide variant.
Coding change: c.1099G>T on transcript NM_005228.5 (MANE Select); coding-DNA position 1099, G replaced by T.
Protein change: p.Gly367Cys; replaces glycine 367 with cysteine.
Molecular consequence: missense variant.
Genome position (GRCh38, 1-based): chr7:55,156,625, G>T. VCF-style: chr7-55156625-G-T. GRCh37 (hg19) VCF-style: chr7-55224318-G-T.
Other names: c.964G>T, p.Gly322Cys (NM_001346897.2, NM_001346899.2); c.1099G>T, p.Gly367Cys (NM_001346898.2, NM_201282.2, NM_201283.2 and 1 more transcripts); c.940G>T, p.Gly314Cys (NM_001346900.2); c.298G>T, p.Gly100Cys (NM_001346941.2); short protein forms G322C, G314C, G367C, G100C.
Identifiers: ClinVar variation 2708948 (VCV002708948.3), dbSNP rs2128938375, ClinGen allele CA367578397.
Genomic context (GRCh38, chr7:55,156,625, plus strand): 5'-GACTCACTCTCCATAAATGCTACGAATATTAAACACTTCAAAAACTGCACCTCCATCAGT[G>T]GCGATCTCCACATCCTGCCGGTGGCATTTAGGGGGTGAGTCACAGGTTCAGTTGCTTGTA-3'
Protein context (NP_005219.2, residues 357-377): KHFKNCTSIS[Gly367Cys]DLHILPVAFR